The following is an entry in ClinVar:

NM_000455.5(STK11):c.914A>G (p.Gln305Arg)

Gene: STK11 (serine/threonine kinase 11; plus strand). Cytogenetic location: 19p13.3.
Variant type: single nucleotide variant.
Coding change: c.914A>G on transcript NM_000455.5 (MANE Select); coding-DNA position 914, A replaced by G.
Protein change: p.Gln305Arg; replaces glutamine 305 with arginine.
Molecular consequence: missense variant.
Genome position (GRCh38, 1-based): chr19:1,222,000, A>G. VCF-style: chr19-1222000-A-G. GRCh37 (hg19) VCF-style: chr19-1221999-A-G.
Other names: c.914A>G (NM_000455.4); short protein forms Q305R.
Identifiers: ClinVar variation 1497205 (VCV001497205.12), dbSNP rs2080788003, ClinGen allele CA402951319.

ClinVar aggregate classification (germline): Uncertain significance. Review status: criteria provided, multiple submitters, no conflicts (2 of 4 stars). 3 submissions from 3 submitters: Uncertain significance (3). Last evaluated 2025-03-04.

Conditions:
Peutz-Jeghers syndrome (PJS). Also called: POLYPOSIS, HAMARTOMATOUS INTESTINAL; POLYPS-AND-SPOTS SYNDROME; Peutz-Jeghers polyposis; Periorificial lentiginosis syndrome. Identifiers: Orphanet 2869, MedGen C0031269, MeSH D010580, MONDO:0008280, OMIM 175200.
Hereditary cancer-predisposing syndrome. Also called: Tumor predisposition; Hereditary neoplastic syndrome; Neoplastic Syndromes, Hereditary; Hereditary Cancer Syndrome. Identifiers: Orphanet 140162, MedGen C0027672, MeSH D009386, MONDO:0015356.

Allele frequency attached by ClinVar (database versions not stated): TOPMed below 0.00001.

Submissions (3):

Center for Genomic Medicine, Rigshospitalet, Copenhagen University Hospital
Classification: Uncertain significance. Last evaluated: 2025-03-04. Review status: criteria provided, single submitter. Criteria: ACMG Guidelines, 2015. Collection method: clinical testing. Allele origin: germline.

Ambry Genetics
Classification: Uncertain significance for Hereditary cancer-predisposing syndrome. Last evaluated: 2025-01-23. Review status: criteria provided, single submitter. Criteria: Ambry Variant Classification Scheme 2023. Collection method: clinical testing. Allele origin: germline.
Comment: The p.Q305R variant (also known as c.914A>G), located in coding exon 7 of the STK11 gene, results from an A to G substitution at nucleotide position 914. The glutamine at codon 305 is replaced by arginine, an amino acid with highly similar properties. This amino acid position is well conserved in available vertebrate species. In addition, this alteration is predicted to be tolerated by in silico analysis. Based on the available evidence, the clinical significance of this variant remains unclear.

Labcorp Genetics (formerly Invitae), Labcorp
Classification: Uncertain significance for Peutz-Jeghers syndrome. Last evaluated: 2021-06-07. Review status: criteria provided, single submitter. Criteria: Invitae Variant Classification Sherloc (09022015). Collection method: clinical testing. Allele origin: germline.
Comment: This variant is not present in population databases (ExAC no frequency). This sequence change replaces glutamine with arginine at codon 305 of the STK11 protein (p.Gln305Arg). The glutamine residue is moderately conserved and there is a small physicochemical difference between glutamine and arginine. This variant has not been reported in the literature in individuals with STK11-related conditions. Advanced modeling of protein sequence and biophysical properties (such as structural, functional, and spatial information, amino acid conservation, physicochemical variation, residue mobility, and thermodynamic stability) performed at Invitae indicates that this missense variant is not expected to disrupt STK11 protein function. In summary, the available evidence is currently insufficient to determine the role of this variant in disease. Therefore, it has been classified as a Variant of Uncertain Significance.